The following is an entry in ClinVar:

ClinVar aggregate classification (germline): Uncertain significance (1 of 4 stars; one submission).

Submission:

Women's Health and Genetics/Laboratory Corporation of America, LabCorp
Classification: Uncertain significance. Last evaluated: 2019-04-22. Review status: criteria provided, single submitter. Criteria: LabCorp Variant Classification Summary - May 2015. Collection method: clinical testing. Allele origin: germline.
Comment: Variant summary: APOA2 c.293C>A (p.Ala98Asp) results in a non-conservative amino acid change in the encoded protein sequence. Three of five in-silico tools predict a benign effect of the variant on protein function. The variant was absent in 251422 control chromosomes (gnomAD). The available data on variant occurrences in the general population are insufficient to allow any conclusion about variant significance. To our knowledge, no occurrence of c.293C>A in individuals affected with Early Onset Coronary Artery Disease and no experimental evidence demonstrating its impact on protein function have been reported. No clinical diagnostic laboratories have submitted clinical-significance assessments for this variant to ClinVar after 2014. Based on the evidence outlined above, the variant was classified as uncertain significance.

NM_001643.2(APOA2):c.293C>A (p.Ala98Asp)

Gene: APOA2 (apolipoprotein A2; minus strand). Cytogenetic location: 1q23.3.
Variant type: single nucleotide variant.
Coding change: c.293C>A on transcript NM_001643.2 (MANE Select); coding-DNA position 293, C replaced by A.
Protein change: p.Ala98Asp; replaces alanine 98 with aspartic acid.
Molecular consequence: missense variant.
Genome position (GRCh38, 1-based): chr1:161,222,415, G>T on the plus strand (C>A on the coding strand, the complement: APOA2 is on the minus strand). VCF-style: chr1-161222415-G-T. GRCh37 (hg19) VCF-style: chr1-161192205-G-T.
Other names: short protein forms A98D.
Identifiers: ClinVar variation 929173 (VCV000929173.1), dbSNP rs1666183842, ClinGen allele CA343320347.
Genomic context (GRCh38, chr1:161,222,415, plus strand): 5'-GTGGGTGTTCTAGAGGCCAGCTGGGGTTGGAAGACAATGGTCTGGACACTTCACTGGGTG[G>T]CAGGCTGTGTTCCAAGTTCCACGAAATAGCTCAAGAAGTTAACCAGTTCCGTTCCAGCCT-3'
Protein context (NP_001634.1, residues 88-100): SYFVELGTQP[Ala98Asp]TQ